The following is an entry in ClinVar:

NM_001384732.1(CPLANE1):c.222C>A (p.Ala74=)

Gene: CPLANE1 (ciliogenesis and planar polarity effector complex subunit 1; minus strand). Cytogenetic location: 5p13.2.
Variant type: single nucleotide variant.
Coding change: c.222C>A on transcript NM_001384732.1 (MANE Select); coding-DNA position 222, C replaced by A.
Protein change: p.Ala74=; no amino-acid change (alanine 74 retained).
Molecular consequence: synonymous variant.
Genome position (GRCh38, 1-based): chr5:37,245,594, G>T on the plus strand (C>A on the coding strand, the complement: CPLANE1 is on the minus strand). VCF-style: chr5-37245594-G-T. GRCh37 (hg19) VCF-style: chr5-37245696-G-T.
Other names: c.222C>A, p.Ala74= (NM_023073.4).
Identifiers: ClinVar variation 1952828 (VCV001952828.5), dbSNP rs2548953568, ClinGen allele CA444098571.
Genomic context (GRCh38, chr5:37,245,594, plus strand): 5'-ACAATCTTGATCTTTGTTCCAAAGGAAAAGCTCTCCTGTAGTTAGTACCCCAGCCAGCCA[G>T]GCATCTGTTTCCAAAAATGAAATGCAATACTTACAATCTAGTATTTCCTTTAACATCACC-3'
Protein context (NP_001371661.1, residues 64-84): VIVLTTSSND[Ala74=]WLAGVLTTGE

ClinVar aggregate classification (germline): Uncertain significance (1 of 4 stars; one submission).

Submission:

Labcorp Genetics (formerly Invitae), Labcorp
Classification: Uncertain significance. Last evaluated: 2022-04-20. Review status: criteria provided, single submitter. Criteria: Invitae Variant Classification Sherloc (09022015). Collection method: clinical testing. Allele origin: germline.
Comment: This sequence change affects codon 74 of the CPLANE1 mRNA. It is a 'silent' change, meaning that it does not change the encoded amino acid sequence of the CPLANE1 protein. This variant is not present in population databases (gnomAD no frequency). This variant has not been reported in the literature in individuals affected with CPLANE1-related conditions. Algorithms developed to predict the effect of sequence changes on RNA splicing suggest that this variant may disrupt the consensus splice site. In summary, the available evidence is currently insufficient to determine the role of this variant in disease. Therefore, it has been classified as a Variant of Uncertain Significance.